The following is an entry in ClinVar:

NM_000081.4(LYST):c.9169C>A (p.Gln3057Lys)

Gene: LYST (lysosomal trafficking regulator; minus strand). Cytogenetic location: 1q42.3.
Variant type: single nucleotide variant.
Coding change: c.9169C>A on transcript NM_000081.4 (MANE Select); coding-DNA position 9169, C replaced by A.
Protein change: p.Gln3057Lys; replaces glutamine 3057 with lysine.
Molecular consequence: missense variant.
Genome position (GRCh38, 1-based): chr1:235,724,174, G>T on the plus strand (C>A on the coding strand, the complement: LYST is on the minus strand). VCF-style: chr1-235724174-G-T. GRCh37 (hg19) VCF-style: chr1-235887474-G-T.
Other names: c.9169C>A, p.Gln3057Lys (NM_001301365.1); short protein forms Q3057K.
Identifiers: ClinVar variation 2199527 (VCV002199527.4), dbSNP rs2527475402, ClinGen allele CA344945991.

ClinVar aggregate classification (germline): Uncertain significance (1 of 4 stars; one submission).

Conditions:
Chédiak-Higashi syndrome (CHS). Also called: Chediak-Higashi Syndrome. Identifiers: Orphanet 167, MedGen C0007965, MONDO:0008963, OMIM 214500.

Submission:

Labcorp Genetics (formerly Invitae), Labcorp
Classification: Uncertain significance for Chédiak-Higashi syndrome. Last evaluated: 2022-02-20. Review status: criteria provided, single submitter. Criteria: Invitae Variant Classification Sherloc (09022015). Collection method: clinical testing. Allele origin: germline.
Comment: Algorithms developed to predict the effect of missense changes on protein structure and function are either unavailable or do not agree on the potential impact of this missense change (SIFT: "Tolerated"; PolyPhen-2: "Possibly Damaging"; Align-GVGD: "Class C0"). In summary, the available evidence is currently insufficient to determine the role of this variant in disease. Therefore, it has been classified as a Variant of Uncertain Significance. This variant has not been reported in the literature in individuals affected with LYST-related conditions. This variant is not present in population databases (gnomAD no frequency). This sequence change replaces glutamine, which is neutral and polar, with lysine, which is basic and polar, at codon 3057 of the LYST protein (p.Gln3057Lys).